The following is an entry in ClinVar:

NM_003118.4(SPARC):c.734G>A (p.Gly245Glu)

Gene: SPARC (secreted protein acidic and cysteine rich; minus strand). Cytogenetic location: 5q33.1.
Variant type: single nucleotide variant.
Coding change: c.734G>A on transcript NM_003118.4 (MANE Select); coding-DNA position 734, G replaced by A.
Protein change: p.Gly245Glu; replaces glycine 245 with glutamic acid.
Molecular consequence: missense variant.
Genome position (GRCh38, 1-based): chr5:151,666,361, C>T on the plus strand (G>A on the coding strand, the complement: SPARC is on the minus strand). VCF-style: chr5-151666361-C-T. GRCh37 (hg19) VCF-style: chr5-151045922-C-T.
Other names: c.731G>A, p.Gly244Glu (NM_001309443.2); c.734G>A, p.Gly245Glu (NM_001309444.2); short protein forms G245E, G244E.
Identifiers: ClinVar variation 3713883 (VCV003713883.2).

ClinVar aggregate classification (germline): Uncertain significance (1 of 4 stars; one submission).

gnomAD v4.1: 7 of 1,613,362 alleles (0.00043%); highest among the groups gnomAD compares: Non-Finnish European, 0.00059%; no homozygotes.

Submission:

Labcorp Genetics (formerly Invitae), Labcorp
Classification: Uncertain significance. Last evaluated: 2025-01-01. Review status: criteria provided, single submitter. Criteria: Invitae Variant Classification Sherloc (09022015). Collection method: clinical testing. Allele origin: germline.
Comment: This sequence change replaces glycine, which is neutral and non-polar, with glutamic acid, which is acidic and polar, at codon 245 of the SPARC protein (p.Gly245Glu). This variant also falls at the last nucleotide of exon 8, which is part of the consensus splice site for this exon. This variant is present in population databases (no rsID available, gnomAD 0.002%). This variant has not been reported in the literature in individuals affected with SPARC-related conditions. An algorithm developed to predict the effect of missense changes on protein structure and function (PolyPhen-2) suggests that this variant is likely to be disruptive. Variants that disrupt the consensus splice site are a relatively common cause of aberrant splicing (PMID: 17576681, 9536098). In summary, the available evidence is currently insufficient to determine the role of this variant in disease. Therefore, it has been classified as a Variant of Uncertain Significance.

Literature cited by the submitters: PubMed 17576681; PubMed 9536098.